The following is an entry in ClinVar:

ClinVar aggregate classification (germline): Uncertain significance (1 of 4 stars; one submission).

Conditions:
Dyskeratosis congenita, autosomal dominant 2. Identifiers: MedGen C3151443, MONDO:0013521, OMIM 613989.
Idiopathic Pulmonary Fibrosis. Also called: Idiopathic fibrosing alveolitis, chronic form; idiopathic fibrosing alveolitis. Identifiers: Orphanet 2032, MedGen C1800706, MeSH D054990, MONDO:0800504.

Submission:

Labcorp Genetics (formerly Invitae), Labcorp
Classification: Uncertain significance for Dyskeratosis congenita, autosomal dominant 2; Idiopathic Pulmonary Fibrosis. Last evaluated: 2022-01-16. Review status: criteria provided, single submitter. Criteria: Invitae Variant Classification Sherloc (09022015). Collection method: clinical testing. Allele origin: germline.
Comment: Advanced modeling of protein sequence and biophysical properties (such as structural, functional, and spatial information, amino acid conservation, physicochemical variation, residue mobility, and thermodynamic stability) performed at Invitae indicates that this missense variant is expected to disrupt TERT protein function. In summary, the available evidence is currently insufficient to determine the role of this variant in disease. Therefore, it has been classified as a Variant of Uncertain Significance. This variant has not been reported in the literature in individuals affected with TERT-related conditions. This variant is not present in population databases (gnomAD no frequency). This sequence change replaces arginine, which is basic and polar, with proline, which is neutral and non-polar, at codon 358 of the TERT protein (p.Arg358Pro).

NM_198253.3(TERT):c.1073G>C (p.Arg358Pro)

Gene: TERT (telomerase reverse transcriptase; minus strand). Cytogenetic location: 5p15.33.
Variant type: single nucleotide variant.
Coding change: c.1073G>C on transcript NM_198253.3 (MANE Select); coding-DNA position 1073, G replaced by C.
Protein change: p.Arg358Pro; replaces arginine 358 with proline.
Molecular consequence: missense variant. On other transcripts: non-coding transcript variant (2).
Genome position (GRCh38, 1-based): chr5:1,293,813, C>G on the plus strand (G>C on the coding strand, the complement: TERT is on the minus strand). VCF-style: chr5-1293813-C-G. GRCh37 (hg19) VCF-style: chr5-1293928-C-G.
Other names: c.1073G>C, p.Arg358Pro (NM_001193376.3, NM_003219.1); short protein forms R358P.
Identifiers: ClinVar variation 1961212 (VCV001961212.5), dbSNP rs200191524, ClinGen allele CA359055703.